The following is an entry in ClinVar:

NM_000393.5(COL5A2):c.2031+3A>G

Gene: COL5A2 (collagen type V alpha 2 chain; minus strand). Cytogenetic location: 2q32.2.
Variant type: single nucleotide variant.
Coding change: c.2031+3A>G on transcript NM_000393.5 (MANE Select); 3 bases into the intron after coding-DNA position 2031, A replaced by G.
Molecular consequence: intron variant.
Genome position (GRCh38, 1-based): chr2:189,061,559, T>C on the plus strand (A>G on the coding strand, the complement: COL5A2 is on the minus strand). VCF-style: chr2-189061559-T-C. GRCh37 (hg19) VCF-style: chr2-189926285-T-C.
Identifiers: ClinVar variation 853344 (VCV000853344.11), dbSNP rs201947903, ClinGen allele CA2022486.
Genomic context (GRCh38, chr2:189,061,559, plus strand): 5'-TTTTAAAAAAAAAAAGCATTTTAGTTAATGGAAGATGAAATGGAAAACCGAATTAGTGCA[T>C]ACCTGAAAACCTGTGGGGCCTGGAGGTCCTTGTTCTCCTCTTTCACCAGCTAGACCCTAA-3'

ClinVar aggregate classification (germline): Uncertain significance. Review status: criteria provided, multiple submitters, no conflicts (2 of 4 stars). 2 submissions from 2 submitters: Uncertain significance (2). Last evaluated 2025-06-04.

Conditions:
Familial thoracic aortic aneurysm and aortic dissection (TAAD). Also called: Thoracic aortic aneurysms and dissections. Identifiers: Orphanet 91387, MedGen C4707243, MONDO:0019625.
Ehlers-Danlos syndrome, classic type, 1 (EDSCL1). Also called: Ehlers-Danlos syndrome, type 1; Ehlers-Danlos Syndrome, Classic Type, COL5A1-Related; EDS I; EHLERS-DANLOS SYNDROME, GRAVIS TYPE; EHLERS-DANLOS SYNDROME, SEVERE CLASSIC TYPE. Identifiers: MedGen C0268335, MONDO:0019567, OMIM 130000.

Allele frequency attached by ClinVar (database versions not stated): gnomAD exomes 0.00001 and 0.00003; gnomAD 0.00003 and 0.00002; 1000 Genomes Project 0.00020; 1000 Genomes Project 30x 0.00016; ExAC 0.00005; TOPMed 0.00002.
gnomAD v4.1: 20 of 1,610,192 alleles (0.0012%); highest among the groups gnomAD compares: Admixed American, 0.005%; no homozygotes.

Submissions (2):

Labcorp Genetics (formerly Invitae), Labcorp
Classification: Uncertain significance for Ehlers-Danlos syndrome, classic type, 1. Last evaluated: 2025-06-04. Review status: criteria provided, single submitter. Criteria: Invitae Variant Classification Sherloc (09022015). Collection method: clinical testing. Allele origin: germline.
Comment: This sequence change falls in intron 30 of the COL5A2 gene. It does not directly change the encoded amino acid sequence of the COL5A2 protein. It affects a nucleotide within the consensus splice site. This variant is present in population databases (rs201947903, gnomAD 0.006%). This variant has not been reported in the literature in individuals affected with COL5A2-related conditions. ClinVar contains an entry for this variant (Variation ID: 853344). Variants that disrupt the consensus splice site are a relatively common cause of aberrant splicing (PMID: 17576681, 9536098). Algorithms developed to predict the effect of sequence changes on RNA splicing suggest that this variant may disrupt the consensus splice site. In summary, the available evidence is currently insufficient to determine the role of this variant in disease. Therefore, it has been classified as a Variant of Uncertain Significance.

Ambry Genetics
Classification: Uncertain significance for Familial thoracic aortic aneurysm and aortic dissection. Last evaluated: 2019-08-14. Review status: criteria provided, single submitter. Criteria: Ambry Variant Classification Scheme 2023. Collection method: clinical testing. Allele origin: germline.
Comment: The c.2031+3A>G intronic variant results from an A to G substitution 3 nucleotides after coding exon 30 in the COL5A2 gene. This nucleotide position is well conserved in available vertebrate species. Using the BDGP and ESEfinder splice site prediction tools, this alteration is not predicted to have any significant effect on this splice donor site; however, direct evidence is unavailable. Since supporting evidence is limited at this time, the clinical significance of this alteration remains unclear.

Literature cited by the submitters: PubMed 17576681 (cited by Labcorp Genetics (formerly Invitae), Labcorp); PubMed 9536098 (cited by Labcorp Genetics (formerly Invitae), Labcorp).